The following is an entry in ClinVar:

NM_004560.4(ROR2):c.1841A>G (p.Lys614Arg)

Gene: ROR2 (receptor tyrosine kinase like orphan receptor 2; minus strand). Cytogenetic location: 9q22.31.
Variant type: single nucleotide variant.
Coding change: c.1841A>G on transcript NM_004560.4 (MANE Select); coding-DNA position 1841, A replaced by G.
Protein change: p.Lys614Arg; replaces lysine 614 with arginine.
Molecular consequence: missense variant.
Genome position (GRCh38, 1-based): chr9:91,724,653, T>C on the plus strand (A>G on the coding strand, the complement: ROR2 is on the minus strand). VCF-style: chr9-91724653-T-C. GRCh37 (hg19) VCF-style: chr9-94486935-T-C.
Other names: short protein forms K614R.
Identifiers: ClinVar variation 2902867 (VCV002902867.3), dbSNP rs1001896010, ClinGen allele CA195323287.

ClinVar aggregate classification (germline): Uncertain significance (1 of 4 stars; one submission).

Allele frequency attached by ClinVar (database versions not stated): gnomAD exomes 0.00001.
gnomAD v4.1: 9 of 1,614,186 alleles (0.00056%); highest among the groups gnomAD compares: Non-Finnish European, 0.00076%; no homozygotes.

Submission:

Labcorp Genetics (formerly Invitae), Labcorp
Classification: Uncertain significance. Last evaluated: 2023-08-28. Review status: criteria provided, single submitter. Criteria: Invitae Variant Classification Sherloc (09022015). Collection method: clinical testing. Allele origin: germline.
Comment: This variant has not been reported in the literature in individuals affected with ROR2-related conditions. This variant is not present in population databases (gnomAD no frequency). This sequence change replaces lysine, which is basic and polar, with arginine, which is basic and polar, at codon 614 of the ROR2 protein (p.Lys614Arg). In summary, the available evidence is currently insufficient to determine the role of this variant in disease. Therefore, it has been classified as a Variant of Uncertain Significance. Advanced modeling of protein sequence and biophysical properties (such as structural, functional, and spatial information, amino acid conservation, physicochemical variation, residue mobility, and thermodynamic stability) performed at Invitae indicates that this missense variant is not expected to disrupt ROR2 protein function.